The following is an entry in ClinVar:

ClinVar aggregate classification (germline): Uncertain significance (1 of 4 stars; one submission).

Allele frequency attached by ClinVar (database versions not stated): TOPMed 0.00002.
gnomAD v4.1: 16 of 1,610,590 alleles (0.00099%); highest among the groups gnomAD compares: East Asian, 0.0022%; no homozygotes.

Submission:

Labcorp Genetics (formerly Invitae), Labcorp
Classification: Uncertain significance. Last evaluated: 2025-06-15. Review status: criteria provided, single submitter. Criteria: Invitae Variant Classification Sherloc (09022015). Collection method: clinical testing. Allele origin: germline.
Comment: This sequence change replaces glycine, which is neutral and non-polar, with serine, which is neutral and polar, at codon 438 of the SLC1A2 protein (p.Gly438Ser). This variant is present in population databases (no rsID available, gnomAD 0.003%). This variant has not been reported in the literature in individuals affected with SLC1A2-related conditions. ClinVar contains an entry for this variant (Variation ID: 2417901). Invitae Evidence Modeling of protein sequence and biophysical properties (such as structural, functional, and spatial information, amino acid conservation, physicochemical variation, residue mobility, and thermodynamic stability) indicates that this missense variant is expected to disrupt SLC1A2 protein function with a positive predictive value of 80%. In summary, the available evidence is currently insufficient to determine the role of this variant in disease. Therefore, it has been classified as a Variant of Uncertain Significance.

NM_004171.4(SLC1A2):c.1312G>A (p.Gly438Ser)

Gene: SLC1A2 (solute carrier family 1 member 2; minus strand). Cytogenetic location: 11p13.
Variant type: single nucleotide variant.
Coding change: c.1312G>A on transcript NM_004171.4 (MANE Select); coding-DNA position 1312, G replaced by A.
Protein change: p.Gly438Ser; replaces glycine 438 with serine.
Molecular consequence: missense variant.
Genome position (GRCh38, 1-based): chr11:35,280,976, C>T on the plus strand (G>A on the coding strand, the complement: SLC1A2 is on the minus strand). VCF-style: chr11-35280976-C-T. GRCh37 (hg19) VCF-style: chr11-35302523-C-T.
Other names: c.1285G>A, p.Gly429Ser (NM_001195728.3, NM_001252652.2); short protein forms G429S, G438S.
Identifiers: ClinVar variation 2417901 (VCV002417901.6), dbSNP rs764182501, ClinGen allele CA220493907.